The following is an entry in ClinVar:

ClinVar aggregate classification (germline): Uncertain significance (1 of 4 stars; one submission).

Conditions:
Hereditary cancer-predisposing syndrome. Also called: Tumor predisposition; Hereditary Cancer Syndrome; Hereditary neoplastic syndrome; Neoplastic Syndromes, Hereditary. Identifiers: Orphanet 140162, MedGen C0027672, MeSH D009386, MONDO:0015356.

gnomAD v4.1: 1 of 1,610,256 alleles (0.000062%); highest among the groups gnomAD compares: Non-Finnish European, 0.000085%; no homozygotes.

Submission:

Ambry Genetics
Classification: Uncertain significance for Hereditary cancer-predisposing syndrome. Last evaluated: 2025-10-14. Review status: criteria provided, single submitter. Criteria: Ambry Variant Classification Scheme 2023. Collection method: clinical testing. Allele origin: germline.
Comment: The p.E218K variant (also known as c.652G>A), located in coding exon 4 of the RAD51C gene, results from a G to A substitution at nucleotide position 652. The glutamic acid at codon 218 is replaced by lysine, an amino acid with similar properties. This amino acid position is conserved. In addition, this alteration is predicted to be deleterious by in silico analysis. Based on the available evidence, the clinical significance of this variant remains unclear.

NM_058216.3(RAD51C):c.652G>A (p.Glu218Lys)

Genes: RAD51C (RAD51 paralog C; plus strand), LOC129390903 (MPRA-validated peak2919 silencer; plus strand). Cytogenetic location: 17q22.
Variant type: single nucleotide variant.
Coding change: c.652G>A on transcript NM_058216.3 (MANE Select); coding-DNA position 652, G replaced by A.
Protein change: p.Glu218Lys; replaces glutamic acid 218 with lysine.
Molecular consequence: missense variant. On other transcripts: non-coding transcript variant (1).
Genome position (GRCh38, 1-based): chr17:58,703,276, G>A. VCF-style: chr17-58703276-G-A. GRCh37 (hg19) VCF-style: chr17-56780637-G-A.
Other names: short protein forms E218K.
Identifiers: ClinVar variation 4542571 (VCV004542571.1).